The following is an entry in ClinVar:

ClinVar aggregate classification (germline): Uncertain significance (1 of 4 stars; one submission).

Conditions:
KBG syndrome (KBGS). Also called: ANKRD11-Related KBG Syndrome. Identifiers: Orphanet 2332, MedGen C0220687, MONDO:0007846, OMIM 148050.

Allele frequency attached by ClinVar (database versions not stated): gnomAD exomes below 0.00001.
gnomAD v4.1: 2 of 1,460,582 alleles (0.00014%); highest among the groups gnomAD compares: Non-Finnish European, 0.00018%; no homozygotes.

Submission:

Labcorp Genetics (formerly Invitae), Labcorp
Classification: Uncertain significance for KBG syndrome. Last evaluated: 2024-07-29. Review status: criteria provided, single submitter. Criteria: Invitae Variant Classification Sherloc (09022015). Collection method: clinical testing. Allele origin: germline.
Comment: This sequence change replaces glutamic acid, which is acidic and polar, with aspartic acid, which is acidic and polar, at codon 2291 of the ANKRD11 protein (p.Glu2291Asp). This variant is not present in population databases (gnomAD no frequency). This variant has not been reported in the literature in individuals affected with ANKRD11-related conditions. Advanced modeling of protein sequence and biophysical properties (such as structural, functional, and spatial information, amino acid conservation, physicochemical variation, residue mobility, and thermodynamic stability) performed at Invitae indicates that this missense variant is not expected to disrupt ANKRD11 protein function with a negative predictive value of 95%. In summary, the available evidence is currently insufficient to determine the role of this variant in disease. Therefore, it has been classified as a Variant of Uncertain Significance.

NM_013275.6(ANKRD11):c.6873G>C (p.Glu2291Asp)

Gene: ANKRD11 (ankyrin repeat domain 11; minus strand). Cytogenetic location: 16q24.3.
Variant type: single nucleotide variant.
Coding change: c.6873G>C on transcript NM_013275.6 (MANE Select); coding-DNA position 6873, G replaced by C.
Protein change: p.Glu2291Asp; replaces glutamic acid 2291 with aspartic acid.
Molecular consequence: missense variant.
Genome position (GRCh38, 1-based): chr16:89,279,669, C>G on the plus strand (G>C on the coding strand, the complement: ANKRD11 is on the minus strand). VCF-style: chr16-89279669-C-G. GRCh37 (hg19) VCF-style: chr16-89346077-C-G.
Other names: c.6873G>C, p.Glu2291Asp (NM_001256182.2, NM_001256183.2); short protein forms E2291D.
Identifiers: ClinVar variation 2747310 (VCV002747310.3), dbSNP rs2151732691, ClinGen allele CA397149803.